The following is an entry in ClinVar:

ClinVar aggregate classification (germline): Benign. Review status: criteria provided, multiple submitters, no conflicts (2 of 4 stars). 3 submissions from 3 submitters: Benign (3). Last evaluated 2021-06-20.

Conditions:
Anemia, congenital dyserythropoietic, type IVa. Also called: Congenital dyserythropoietic anemia type 4; Congenital dyserythropoietic anemia, type IV; CDA, TYPE IVa. Identifiers: Orphanet 293825, MedGen C3150926, MONDO:0013355, OMIM 613673.

Allele frequency attached by ClinVar (database versions not stated): gnomAD exomes 0.00646; 1000 Genomes Project 0.05611; TOPMed 0.05802; gnomAD 0.05151 and 0.05559; 1000 Genomes Project 30x 0.06074.

Submissions (3):

GeneDx
Classification: Benign. Last evaluated: 2021-06-20. Review status: criteria provided, single submitter. Criteria: GeneDx Variant Classification Process June 2021. Collection method: clinical testing. Allele origin: germline. Affected: yes.

Illumina Laboratory Services, Illumina
Classification: Benign for Anemia, congenital dyserythropoietic, type IVa. Last evaluated: 2018-01-12. Review status: criteria provided, single submitter. Criteria: ICSL Variant Classification Criteria 13 December 2019. Collection method: clinical testing. Allele origin: germline.
Comment: This variant was observed in the ICSL laboratory as part of a predisposition screen in an ostensibly healthy population. It had not been previously curated by ICSL or reported in the Human Gene Mutation Database (HGMD: prior to June 1st, 2018), and was therefore a candidate for classification through an automated scoring system. Utilizing variant allele frequency, disease prevalence and penetrance estimates, and inheritance mode, an automated score was calculated to assess if this variant is too frequent to cause the disease. Based on the score and internal cut-off values, a variant classified as benign is not then subjected to further curation. The score for this variant resulted in a classification of benign for this disease.

Breakthrough Genomics
Classification: Benign. Review status: criteria provided, single submitter. Criteria: ACMG Guidelines, 2015. Collection method: not provided. Allele origin: germline. Inheritance: Autosomal dominant inheritance. Affected: yes.

NM_006563.5(KLF1):c.*277C>T

Gene: KLF1 (KLF transcription factor 1; minus strand). Cytogenetic location: 19p13.13.
Variant type: single nucleotide variant.
Coding change: c.*277C>T on transcript NM_006563.5 (MANE Select); 277 bases downstream of the stop codon, C replaced by T.
Molecular consequence: 3 prime UTR variant.
Genome position (GRCh38, 1-based): chr19:12,884,608, G>A on the plus strand (C>T on the coding strand, the complement: KLF1 is on the minus strand). VCF-style: chr19-12884608-G-A. GRCh37 (hg19) VCF-style: chr19-12995422-G-A.
Identifiers: ClinVar variation 328308 (VCV000328308.9), dbSNP rs16978757, ClinGen allele CA10652258.